The following is an entry in ClinVar:

NM_000342.4(SLC4A1):c.1331C>A (p.Thr444Asn)

Gene: SLC4A1 (solute carrier family 4 member 1 (Diego blood group); minus strand). Cytogenetic location: 17q21.31.
Variant type: single nucleotide variant.
Coding change: c.1331C>A on transcript NM_000342.4 (MANE Select); coding-DNA position 1331, C replaced by A.
Protein change: p.Thr444Asn; replaces threonine 444 with asparagine.
Molecular consequence: missense variant.
Genome position (GRCh38, 1-based): chr17:44,257,759, G>T on the plus strand (C>A on the coding strand, the complement: SLC4A1 is on the minus strand). VCF-style: chr17-44257759-G-T. GRCh37 (hg19) VCF-style: chr17-42335127-G-T.
Other names: c.1331C>A (NM_000342.3); short protein forms T444N.
Identifiers: ClinVar variation 1691099 (VCV001691099.8), dbSNP rs754973425, ClinGen allele CA8600298.
Genomic context (GRCh38, chr17:44,257,759, plus strand): 5'-AAGCCGACCACAAGCAGGGGCTGAGCCCCCAGCAGGGCGAAGAGAATGCCCTGCACTGCA[G>T]TGGAGATCAGCAGCTCCGACACTCCCATCTGGTTCCGGGTCTTTTCTCCTGTGGGTAGAG-3'
Protein context (NP_000333.1, residues 434-454): QMGVSELLIS[Thr444Asn]AVQGILFALL

ClinVar aggregate classification (germline): Conflicting classifications of pathogenicity. Review status: criteria provided, conflicting classifications (1 of 4 stars). 6 submissions from 6 submitters: Pathogenic (1); Likely pathogenic (2); Uncertain significance (3). Last evaluated 2025-09-24.

Conditions:
Renal tubular acidosis, distal, 4, with hemolytic anemia. Also called: Renal Tubular Acidosis, Distal, with Hemolytic Anemia. Identifiers: Orphanet 93610, MedGen C5436235, MONDO:0012700, OMIM 611590.
Hereditary spherocytosis type 4. Also called: SLC4A1-Related Spherocytosis. Identifiers: Orphanet 822, MedGen C2675212, MONDO:0012981, OMIM 612653.
Autosomal dominant distal renal tubular acidosis (DRTA1). Also called: RENAL TUBULAR ACIDOSIS, DISTAL, 1; Renal Tubular Acidosis, Type I; RTA, CLASSIC TYPE; RTA, DISTAL TYPE, AUTOSOMAL DOMINANT; RTA, GRADIENT TYPE. Identifiers: Orphanet 93608, MedGen CN280572, MONDO:0008368, OMIM 179800.

Allele frequency attached by ClinVar (database versions not stated): gnomAD 0.00001; ExAC 0.00003; TOPMed 0.00005.

Submissions (6):

Genesolutions, Medical Genetics Institutes, Ho Chi Minh City, Vietnam
Classification: Uncertain significance for Autosomal dominant distal renal tubular acidosis. Last evaluated: 2025-09-24. Review status: criteria provided, single submitter. Criteria: ACMG Guidelines, 2015. Collection method: clinical testing. Allele origin: germline. Affected: yes.

ARUP Laboratories, Molecular Genetics and Genomics, ARUP Laboratories
Classification: Likely pathogenic. Last evaluated: 2024-09-19. Review status: criteria provided, single submitter. Criteria: ARUP Molecular Germline Variant Investigation Process 2024. Collection method: clinical testing. Allele origin: germline.
Comment: The SLC4A1 c.1331C>A; This variant is only observed on seven alleles in the Genome Aggregation Database (v2.1.1), indicating it is not a common polymorphism. In vitro functional analyses of kAE1 in HEK293T cells demonstrate reduced protein expression, reduced cell surface expression and when expressed with another pathogenic variant was found to be intracellularly retained (Deejai 2022). Based on available information, this variant is considered to be likely pathogenic. References: Deejai N et al. Impaired trafficking and instability of mutant kidney anion exchanger 1 proteins associated with autosomal recessive distal renal tubular acidosis. BMC Med Genomics. 2022 Oct 31;15(1):228. PMID: 36320073.

Revvity Omics, Revvity
Classification: Uncertain significance. Last evaluated: 2023-01-09. Review status: criteria provided, single submitter. Criteria: ACMG Guidelines, 2015. Collection method: clinical testing. Allele origin: germline.

Siriraj Genomics, Faculty of Medicine Siriraj Hospital
Classification: Pathogenic for Renal tubular acidosis, distal, 4, with hemolytic anemia. Last evaluated: 2022-05-02. Review status: criteria provided, single submitter. Criteria: ACMG Guidelines, 2015. Collection method: clinical testing. Allele origin: paternal. Inheritance: Autosomal recessive inheritance. Affected: yes. Observed: 1 compound heterozygote.

Juno Genomics, Hangzhou Juno Genomics, Inc
Classification: Likely pathogenic for Renal tubular acidosis, distal, 4, with hemolytic anemia. Review status: criteria provided, single submitter. Criteria: ACMG Guidelines, 2015. Collection method: clinical testing. Allele origin: germline.
Comment: Absent from controls (or at extremely low frequency if recessive) in Genome Aggregation Database.;For recessive disorders, detected in trans with a pathogenic variant.;Patient's phenotype or family history is highly specific for a disease with a single genetic etiology.;Well-established in vitro or in vivo functional studies supportive of a damaging effect on the gene or gene product.

Neuberg Centre For Genomic Medicine, NCGM
Classification: Uncertain significance for Hereditary spherocytosis type 4. Review status: criteria provided, single submitter. Criteria: ACMG Guidelines, 2015. Collection method: clinical testing. Allele origin: germline. Inheritance: Autosomal dominant inheritance. Affected: yes.
Comment: The missense variant p.T444N in SLC4A1 (NM_000342.4) has not been reported previously as a pathogenic variant nor as a benign variant, to our knowledge. The p.T444N missense variant is predicted to be damaging by both SIFT and PolyPhen2. The threonine residue at codon 444 of SLC4A1 is conserved in all mammalian species. The nucleotide c.1331 in SLC4A1 is predicted conserved by GERP++ and PhyloP across 100 vertebrates. For these reasons, this variant has been classified as Uncertain Significance.